The following is an entry in ClinVar:

NM_002317.7(LOX):c.1111C>G (p.Pro371Ala)

Genes: LOX (lysyl oxidase; minus strand), SRFBP1 (serum response factor binding protein 1; plus strand). Cytogenetic location: 5q23.1.
Variant type: single nucleotide variant.
Coding change: c.1111C>G on transcript NM_002317.7 (MANE Select); coding-DNA position 1111, C replaced by G.
Protein change: p.Pro371Ala; replaces proline 371 with alanine.
Molecular consequence: missense variant.
Genome position (GRCh38, 1-based): chr5:122,070,514, G>C on the plus strand (C>G on the coding strand, the complement: LOX is on the minus strand). VCF-style: chr5-122070514-G-C. GRCh37 (hg19) VCF-style: chr5-121406209-G-C.
Other names: c.1111C>G (NM_002317.5); c.421C>G, p.Pro141Ala (NM_001178102.2); c.220C>G, p.Pro74Ala (NM_001317073.1); short protein forms P141A, P371A, P74A.
Identifiers: ClinVar variation 1463041 (VCV001463041.9), dbSNP rs1754418435, ClinGen allele CA360880427.

ClinVar aggregate classification (germline): Uncertain significance. Review status: criteria provided, multiple submitters, no conflicts (2 of 4 stars). 2 submissions from 2 submitters: Uncertain significance (2). Last evaluated 2025-01-06.

Conditions:
Cardiovascular phenotype. Identifiers: MedGen CN230736.

Allele frequency attached by ClinVar (database versions not stated): TOPMed below 0.00001.

Submissions (2):

Labcorp Genetics (formerly Invitae), Labcorp
Classification: Uncertain significance. Last evaluated: 2025-01-06. Review status: criteria provided, single submitter. Criteria: Invitae Variant Classification Sherloc (09022015). Collection method: clinical testing. Allele origin: germline.
Comment: This sequence change replaces proline, which is neutral and non-polar, with alanine, which is neutral and non-polar, at codon 371 of the LOX protein (p.Pro371Ala). This variant is not present in population databases (gnomAD no frequency). This variant has not been reported in the literature in individuals affected with LOX-related conditions. ClinVar contains an entry for this variant (Variation ID: 1463041). Invitae Evidence Modeling of protein sequence and biophysical properties (such as structural, functional, and spatial information, amino acid conservation, physicochemical variation, residue mobility, and thermodynamic stability) has been performed for this missense variant. However, the output from this modeling did not meet the statistical confidence thresholds required to predict the impact of this variant on LOX protein function. In summary, the available evidence is currently insufficient to determine the role of this variant in disease. Therefore, it has been classified as a Variant of Uncertain Significance.

Ambry Genetics
Classification: Uncertain significance for Cardiovascular phenotype. Last evaluated: 2023-05-05. Review status: criteria provided, single submitter. Criteria: Ambry Variant Classification Scheme 2023. Collection method: clinical testing. Allele origin: germline.
Comment: The p.P371A variant (also known as c.1111C>G), located in coding exon 5 of the LOX gene, results from a C to G substitution at nucleotide position 1111. The proline at codon 371 is replaced by alanine, an amino acid with highly similar properties. This amino acid position is conserved. In addition, the in silico prediction for this alteration is inconclusive. Since supporting evidence is limited at this time, the clinical significance of this alteration remains unclear.